The following is an entry in ClinVar:

NM_001197104.2(KMT2A):c.5004G>A (p.Gln1668=)

Gene: KMT2A (lysine methyltransferase 2A; plus strand). Cytogenetic location: 11q23.3.
Variant type: single nucleotide variant.
Coding change: c.5004G>A on transcript NM_001197104.2 (MANE Select); coding-DNA position 5004, G replaced by A.
Protein change: p.Gln1668=; no amino-acid change (glutamine 1668 retained).
Molecular consequence: synonymous variant.
Genome position (GRCh38, 1-based): chr11:118,491,928, G>A. VCF-style: chr11-118491928-G-A. GRCh37 (hg19) VCF-style: chr11-118362643-G-A.
Other names: c.5094G>A, p.Gln1698= (NM_001412597.1); c.4995G>A, p.Gln1665= (NM_005933.4).
Identifiers: ClinVar variation 2502696 (VCV002502696.2), dbSNP rs2134341728, ClinGen allele CA477091932.

ClinVar aggregate classification (germline): Uncertain significance (1 of 4 stars; one submission).

Submission:

GeneDx
Classification: Uncertain significance. Last evaluated: 2023-07-07. Review status: criteria provided, single submitter. Criteria: GeneDx Variant Classification Process June 2021. Collection method: clinical testing. Allele origin: germline.
Comment: Not observed at significant frequency in large population cohorts (gnomAD); In silico analysis supports a deleterious effect on splicing; Has not been previously published as pathogenic or benign to our knowledge